The following is an entry in ClinVar:

ClinVar aggregate classification (germline): Uncertain significance (1 of 4 stars; one submission).

Conditions:
CACNA1D-related disorder.

gnomAD v4.1: 1 of 1,613,812 alleles (0.000062%); highest among the groups gnomAD compares: Non-Finnish European, 0.000085%; no homozygotes.

Submission:

PreventionGenetics, part of Exact Sciences
Classification: Uncertain significance for CACNA1D-related condition. Last evaluated: 2025-12-18. Review status: criteria provided, single submitter. Criteria: ACMG Guidelines, 2015. Collection method: clinical testing. Allele origin: germline.
Comment: The CACNA1D c.2578C>A variant is predicted to result in the amino acid substitution p.Pro860Thr. To our knowledge, this variant has not been reported in the literature or in a large population database (gnomAD), indicating this variant is rare. At this time, the clinical significance of this variant is uncertain due to the absence of conclusive functional and genetic evidence.

NM_001128840.3(CACNA1D):c.2518C>A (p.Pro840Thr)

Gene: CACNA1D (calcium voltage-gated channel subunit alpha1 D; plus strand). Cytogenetic location: 3p21.1.
Variant type: single nucleotide variant.
Coding change: c.2518C>A on transcript NM_001128840.3 (MANE Select); coding-DNA position 2518, C replaced by A.
Protein change: p.Pro840Thr; replaces proline 840 with threonine.
Molecular consequence: missense variant.
Genome position (GRCh38, 1-based): chr3:53,732,859, C>A. VCF-style: chr3-53732859-C-A. GRCh37 (hg19) VCF-style: chr3-53766886-C-A.
Other names: c.2578C>A, p.Pro860Thr (NM_000720.4); c.2518C>A, p.Pro840Thr (NM_001128839.3); short protein forms P840T, P860T.
Identifiers: ClinVar variation 4993286 (VCV004993286.1).